The following is an entry in ClinVar:

ClinVar aggregate classification (germline): Pathogenic (1 of 4 stars; one submission).

Conditions:
Cardiovascular phenotype. Identifiers: MedGen CN230736.

Submission:

Ambry Genetics
Classification: Pathogenic for Cardiovascular phenotype. Last evaluated: 2026-04-21. Review status: criteria provided, single submitter. Criteria: Ambry Variant Classification Scheme 2023. Collection method: clinical testing. Allele origin: germline.
Comment: The c.9579_9582delCTTC pathogenic mutation, located in coding exon 27 of the TNXB gene, results from a deletion of 4 nucleotides at nucleotide positions 9579 to 9582, causing a translational frameshift with a predicted alternate stop codon (p.F3194Pfs*77). This variant is considered to be rare based on population cohorts in the Genome Aggregation Database (gnomAD). This alteration is expected to result in loss of function by premature protein truncation or nonsense-mediated mRNA decay. As such, this alteration is interpreted as a disease-causing mutation.

NM_001365276.2(TNXB):c.9585_9588del (p.Phe3196fs)

Gene: TNXB (tenascin XB; minus strand). Cytogenetic location: 6p21.33.
Variant type: Deletion.
Coding change: c.9585_9588del on transcript NM_001365276.2 (MANE Select); coding-DNA positions 9585 to 9588, 4 bases deleted (CTTC; older notation c.9585_9588delCTTC).
Protein change: p.Phe3196fs; shifts the reading frame from phenylalanine 3196.
Molecular consequence: frameshift variant.
Genome position (GRCh38, 1-based): chr6:32,049,439-32,049,442, GAAG deleted on the plus strand (CTTC on the coding strand, the reverse complement: TNXB is on the minus strand); deleting any 4 consecutive bases within chr6:32,049,439-32,049,444 gives the same sequence; the c. name uses the placement nearest the transcript's 3' end. VCF-style (leftmost placement, unchanged base first): chr6-32049438-TGAAG-T. GRCh37 (hg19) VCF-style: chr6-32017215-TGAAG-T.
Other names: c.10326_10329del, p.Phe3443fs (NM_001428335.1); c.9579_9582del, p.Phe3194fs (NM_019105.8); short protein forms F3194fs, F3196fs, F3443fs.
Identifiers: ClinVar variation 4865810 (VCV004865810.1).